The following is an entry in ClinVar:

NM_001142864.4(PIEZO1):c.4163-3C>T

Gene: PIEZO1 (piezo type mechanosensitive ion channel component 1 (Er blood group); minus strand). Cytogenetic location: 16q24.3.
Variant type: single nucleotide variant.
Coding change: c.4163-3C>T on transcript NM_001142864.4 (MANE Select); 3 bases into the intron before coding-DNA position 4163, C replaced by T.
Molecular consequence: intron variant.
Genome position (GRCh38, 1-based): chr16:88,725,083, G>A on the plus strand (C>T on the coding strand, the complement: PIEZO1 is on the minus strand). VCF-style: chr16-88725083-G-A. GRCh37 (hg19) VCF-style: chr16-88791491-G-A.
Other names: c.4163-3C>T (NM_001142864.3).
Identifiers: ClinVar variation 993763 (VCV000993763.10), dbSNP rs1315355781, ClinGen allele CA725635419.

ClinVar aggregate classification (germline): Likely benign. Review status: criteria provided, single submitter (1 of 4 stars). 2 submissions from 2 submitters: Likely benign (1). 1 of the submissions does not count toward it. Last evaluated 2019-12-24.

Conditions:
PIEZO1-related disorder. Also called: PIEZO1-related condition; PIEZO1-Related Disorders.

gnomAD v4.1: 4 of 1,511,032 alleles (0.00026%); highest among the groups gnomAD compares: Admixed American, 0.0095%; no homozygotes.

Submissions (2):

ARUP Laboratories, Molecular Genetics and Genomics, ARUP Laboratories
Classification: Likely benign. Last evaluated: 2019-12-24. Review status: criteria provided, single submitter. Criteria: ARUP Molecular Germline Variant Investigation Process. Collection method: clinical testing. Allele origin: germline.

PreventionGenetics, part of Exact Sciences
Classification: Likely benign for PIEZO1-related condition. Last evaluated: 2022-08-29. Review status: no assertion criteria provided. Collection method: clinical testing. Allele origin: germline. Not counted in ClinVar's aggregate classification.
Comment: This variant is classified as likely benign based on ACMG/AMP sequence variant interpretation guidelines (Richards et al. 2015 PMID: 25741868, with internal and published modifications).